The following is an entry in ClinVar:

ClinVar aggregate classification (germline): Conflicting classifications of pathogenicity. Review status: criteria provided, conflicting classifications (1 of 4 stars). 3 submissions from 3 submitters: Uncertain significance (2); Likely benign (1). Last evaluated 2022-03-19.

Allele frequency attached by ClinVar (database versions not stated): gnomAD exomes 0.00001; gnomAD 0.00002; TOPMed 0.00005.
gnomAD v4.1: 8 of 1,613,800 alleles (0.0005%); highest among the groups gnomAD compares: African/African-American, 0.0053%; no homozygotes.

Submissions (3):

Labcorp Genetics (formerly Invitae), Labcorp
Classification: Uncertain significance. Last evaluated: 2022-03-19. Review status: criteria provided, single submitter. Criteria: Invitae Variant Classification Sherloc (09022015). Collection method: clinical testing. Allele origin: germline.
Comment: This sequence change affects codon 416 of the LTBP4 mRNA. It is a 'silent' change, meaning that it does not change the encoded amino acid sequence of the LTBP4 protein. This variant is present in population databases (no rsID available, gnomAD 0.004%). This variant has not been reported in the literature in individuals affected with LTBP4-related conditions. ClinVar contains an entry for this variant (Variation ID: 666710). Algorithms developed to predict the effect of sequence changes on RNA splicing suggest that this variant may create or strengthen a splice site. In summary, the available evidence is currently insufficient to determine the role of this variant in disease. Therefore, it has been classified as a Variant of Uncertain Significance.

CeGaT Center for Human Genetics Tuebingen
Classification: Uncertain significance. Last evaluated: 2021-10-01. Review status: criteria provided, single submitter. Criteria: CeGaT Center For Human Genetics Tuebingen Variant Classification Criteria Version 2. Collection method: clinical testing. Allele origin: germline. Affected: yes. Observed: 1 variant allele.

Laboratory for Molecular Medicine, Mass General Brigham Personalized Medicine
Classification: Likely benign. Last evaluated: 2018-07-05. Review status: criteria provided, single submitter. Criteria: LMM Criteria. Collection method: clinical testing. Allele origin: germline. Observed: 1 variant allele.
Comment: p.Glu453Glu in exon 11 of LTBP4: This variant is classified as likely benign bec ause it does not alter an amino acid residue, it is not located within the splic e consensus sequence, and splice prediction algorithms do not predict a newly cr eated splice site. It has been identified in 1/24010 African chromosomes by the Genome Aggregation Database (gnomAD). ACMG/AMP Criteria applied: BP4, BP7, PM2.

NM_001042545.2(LTBP4):c.1158G>A (p.Glu386=)

Gene: LTBP4 (latent transforming growth factor beta binding protein 4; plus strand). Cytogenetic location: 19q13.2.
Variant type: single nucleotide variant.
Coding change: c.1158G>A on transcript NM_001042545.2 (MANE Select); coding-DNA position 1158, G replaced by A.
Protein change: p.Glu386=; no amino-acid change (glutamic acid 386 retained).
Molecular consequence: synonymous variant.
Genome position (GRCh38, 1-based): chr19:40,608,221, G>A. VCF-style: chr19-40608221-G-A. GRCh37 (hg19) VCF-style: chr19-41114127-G-A.
Other names: c.1359G>A, p.Glu453= (NM_001042544.1); c.1248G>A, p.Glu416= (NM_003573.2).
Identifiers: ClinVar variation 666710 (VCV000666710.40), dbSNP rs1015435132, ClinGen allele CA308449413.
Genomic context (GRCh38, chr19:40,608,221, plus strand): 5'-TGGCCATCGTTTTCTTCCCGCTCTCTTGTCCTCTCTCTGTCTCTCTTACCTATTCCCAGA[G>A]GGTTTCCGGGAGATCTGCCCGGCTGGTCCTGGTTACCACTACTCGGCCTCCGACCTCCGC-3'
Protein context (NP_001036010.1, residues 376-396): GCQLCPPFGS[Glu386=]GFREICPAGP